The following is an entry in ClinVar:

ClinVar aggregate classification (germline): Pathogenic/Likely pathogenic. Review status: criteria provided, multiple submitters, no conflicts (2 of 4 stars). 3 submissions from 3 submitters: Pathogenic (1); Likely pathogenic (1). 1 of the submissions does not count toward it. Last evaluated 2024-03-08.

Conditions:
FRAS1-related disorder. Also called: FRAS1-related condition.
Fraser syndrome 1 (FRASRS1). Also called: CRYPTOPHTHALMOS WITH OTHER MALFORMATIONS. Identifiers: Orphanet 2052, MedGen C4551480, MONDO:0054737, OMIM 219000.

Submissions (3):

Fulgent Genetics
Classification: Likely pathogenic for Fraser syndrome 1. Last evaluated: 2024-03-08. Review status: criteria provided, single submitter. Criteria: ACMG Guidelines, 2015. Collection method: clinical testing. Allele origin: germline.

Labcorp Genetics (formerly Invitae), Labcorp
Classification: Pathogenic. Last evaluated: 2023-06-23. Review status: criteria provided, single submitter. Criteria: Invitae Variant Classification Sherloc (09022015). Collection method: clinical testing. Allele origin: germline.
Comment: This sequence change creates a premature translational stop signal (p.Ile1976Lysfs*15) in the FRAS1 gene. It is expected to result in an absent or disrupted protein product. Loss-of-function variants in FRAS1 are known to be pathogenic (PMID: 12766769, 18671281). This variant is not present in population databases (gnomAD no frequency). This variant has not been reported in the literature in individuals affected with FRAS1-related conditions. Algorithms developed to predict the effect of sequence changes on RNA splicing suggest that this variant may disrupt the consensus splice site. For these reasons, this variant has been classified as Pathogenic.

PreventionGenetics, part of Exact Sciences
Classification: Likely pathogenic for FRAS1-related condition. Last evaluated: 2024-08-27. Review status: no assertion criteria provided. Collection method: clinical testing. Allele origin: germline. Not counted in ClinVar's aggregate classification.
Comment: The FRAS1 c.5927_5928delTA variant is predicted to result in a frameshift and premature protein termination (p.Ile1976Lysfs*15). To our knowledge, this variant has not been reported in the literature or in a large population database, indicating this variant is rare. Frameshift variants in FRAS1 are expected to be pathogenic. This variant is interpreted as likely pathogenic.

Literature cited by the submitters: PubMed 12766769 (cited by Labcorp Genetics (formerly Invitae), Labcorp); PubMed 18671281 (cited by Labcorp Genetics (formerly Invitae), Labcorp).

NM_025074.7(FRAS1):c.5927_5928del (p.Ile1976fs)

Gene: FRAS1 (Fraser extracellular matrix complex subunit 1; plus strand). Cytogenetic location: 4q21.21.
Variant type: Deletion.
Coding change: c.5927_5928del on transcript NM_025074.7 (MANE Select); coding-DNA positions 5927 to 5928, 2 bases deleted (TA; older notation c.5927_5928delTA).
Protein change: p.Ile1976fs; shifts the reading frame from isoleucine 1976.
Molecular consequence: frameshift variant.
Genome position (GRCh38, 1-based): chr4:78,446,797-78,446,798, TA deleted; deleting any 2 consecutive bases within chr4:78,446,796-78,446,798 gives the same sequence; the c. name uses the placement nearest the transcript's 3' end. VCF-style (leftmost placement, unchanged base first): chr4-78446795-GAT-G. GRCh37 (hg19) VCF-style: chr4-79367949-GAT-G.
Other names: c.5927_5928delTA (NM_025074.6); short protein forms I1976fs.
Identifiers: ClinVar variation 2724035 (VCV002724035.5), dbSNP rs1718846418, ClinGen allele CA1470568670.